The following is an entry in ClinVar:

ClinVar aggregate classification (germline): Uncertain significance (1 of 4 stars; one submission).

Conditions:
Atrial septal defect 5 (ASD5). Identifiers: Orphanet 1478, MedGen C2748552, MONDO:0013011, OMIM 612794.
Dilated cardiomyopathy 1R (CMD1R). Identifiers: Orphanet 154, Orphanet 54260, MedGen C3150681, MONDO:0013261, OMIM 613424.
Hypertrophic cardiomyopathy 11. Also called: ACTC1-Related Familial Hypertrophic Cardiomyopathy. Identifiers: MedGen C2677506, MONDO:0012799, OMIM 612098.

Submission:

Labcorp Genetics (formerly Invitae), Labcorp
Classification: Uncertain significance for Dilated cardiomyopathy 1R; Hypertrophic cardiomyopathy 11; Atrial septal defect 5. Last evaluated: 2017-11-27. Review status: criteria provided, single submitter. Criteria: Invitae Variant Classification Sherloc (09022015). Collection method: clinical testing. Allele origin: germline.
Comment: In summary, the available evidence is currently insufficient to determine the role of this variant in disease. Therefore, it has been classified as a Variant of Uncertain Significance. Algorithms developed to predict the effect of missense changes on protein structure and function do not agree on the potential impact of this missense change (SIFT: "Deleterious"; PolyPhen-2: "Benign"; Align-GVGD: "Class C25"). This variant has not been reported in the literature in individuals with ACTC1-related disease. This variant is not present in population databases (ExAC no frequency). This sequence change replaces valine with isoleucine at codon 32 of the ACTC1 protein (p.Val32Ile). The valine residue is highly conserved and there is a small physicochemical difference between valine and isoleucine.

NM_005159.5(ACTC1):c.94G>A (p.Val32Ile)

Genes: ACTC1 (actin alpha cardiac muscle 1; minus strand), GJD2-DT (GJD2 divergent transcript; plus strand). Cytogenetic location: 15q14.
Variant type: single nucleotide variant.
Coding change: c.94G>A on transcript NM_005159.5 (MANE Select); coding-DNA position 94, G replaced by A.
Protein change: p.Val32Ile; replaces valine 32 with isoleucine.
Molecular consequence: missense variant.
Genome position (GRCh38, 1-based): chr15:34,794,715, C>T on the plus strand (G>A on the coding strand, the complement: ACTC1 is on the minus strand). VCF-style: chr15-34794715-C-T. GRCh37 (hg19) VCF-style: chr15-35086916-C-T.
Other names: c.94G>A (LRG_388t1); short protein forms V32I.
Identifiers: ClinVar variation 538808 (VCV000538808.8), dbSNP rs1555419003, ClinGen allele CA391633142.